The following is an entry in ClinVar:

ClinVar aggregate classification (germline): Pathogenic (1 of 4 stars; one submission).

Submission:

Labcorp Genetics (formerly Invitae), Labcorp
Classification: Pathogenic. Last evaluated: 2025-04-14. Review status: criteria provided, single submitter. Criteria: Invitae Variant Classification Sherloc (09022015). Collection method: clinical testing. Allele origin: germline.
Comment: This sequence change creates a premature translational stop signal (p.Asn23Lysfs*33) in the SERPING1 gene. It is expected to result in an absent or disrupted protein product. Loss-of-function variants in SERPING1 are known to be pathogenic (PMID: 11112899, 24456027). This variant is not present in population databases (gnomAD no frequency). This variant has not been reported in the literature in individuals affected with SERPING1-related conditions. For these reasons, this variant has been classified as Pathogenic.

Literature cited by the submitters: PubMed 11112899; PubMed 24456027.

NM_000062.3(SERPING1):c.66_70del (p.Asn23fs)

Gene: SERPING1 (serpin family G member 1; plus strand). Cytogenetic location: 11q12.1.
Variant type: Deletion.
Coding change: c.66_70del on transcript NM_000062.3 (MANE Select); coding-DNA positions 66 to 70, 5 bases deleted (AAATC; older notation c.66_70delAAATC).
Protein change: p.Asn23fs; shifts the reading frame from asparagine 23.
Molecular consequence: frameshift variant.
Genome position (GRCh38, 1-based): chr11:57,599,893-57,599,897, AAATC deleted; deleting any 5 consecutive bases within chr11:57,599,891-57,599,897 gives the same sequence; the c. name uses the placement nearest the transcript's 3' end. VCF-style (leftmost placement, unchanged base first): chr11-57599890-CTCAAA-C. GRCh37 (hg19) VCF-style: chr11-57367363-CTCAAA-C.
Other names: c.66_70del, p.Asn23fs (NM_001032295.2); short protein forms N23fs.
Identifiers: ClinVar variation 4717485 (VCV004717485.1).